The following is an entry in ClinVar:

NM_030653.4(DDX11):c.1295G>A (p.Arg432His)

Gene: DDX11 (DEAD/H-box helicase 11; plus strand). Cytogenetic location: 12p11.21.
Variant type: single nucleotide variant.
Coding change: c.1295G>A on transcript NM_030653.4 (MANE Select); coding-DNA position 1295, G replaced by A.
Protein change: p.Arg432His; replaces arginine 432 with histidine.
Molecular consequence: missense variant. On other transcripts: non-coding transcript variant (3).
Genome position (GRCh38, 1-based): chr12:31,093,250, G>A. VCF-style: chr12-31093250-G-A. GRCh37 (hg19) VCF-style: chr12-31246184-G-A.
Other names: c.1295G>A, p.Arg432His (NM_001257144.2, NM_001413692.1, NM_001413693.1 and 5 more transcripts); c.1217G>A, p.Arg406His (NM_001257145.2, NM_001413697.1, NM_001413698.1 and 1 more transcripts); c.1208G>A, p.Arg403His (NM_001413700.1); c.767G>A, p.Arg256His (NM_001413702.1, NM_001413703.1); c.434G>A, p.Arg145His (NM_001413704.1, NM_001413705.1); c.329G>A, p.Arg110His (NM_001413706.1); short protein forms R110H, R145H, R256H, R403H, R406H, R432H.
Identifiers: ClinVar variation 4535708 (VCV004535708.1).

ClinVar aggregate classification (germline): Uncertain significance (1 of 4 stars; one submission).

Submission:

Women's Health and Genetics/Laboratory Corporation of America, LabCorp
Classification: Uncertain significance. Last evaluated: 2025-09-05. Review status: criteria provided, single submitter. Criteria: LabCorp Variant Classification Summary - May 2015. Collection method: clinical testing. Allele origin: germline.
Comment: Variant summary: DDX11 c.1295G>A (p.Arg432His) results in a non-conservative amino acid change in the encoded protein sequence. Algorithms developed to predict the effect of missense changes on protein structure and function are either unavailable or do not agree on the potential impact of this missense change. The variant allele was found at a frequency of 4e-05 in 249802 control chromosomes. This frequency is not significantly higher than estimated for disease-causing variants in DDX11, allowing no conclusion about variant significance. To our knowledge, no occurrence of c.1295G>A in individuals affected with DDX11-related conditions and no experimental evidence demonstrating its impact on protein function have been reported. No submitters have cited clinical-significance assessments for this variant to ClinVar. Based on the evidence outlined above, the variant was classified as uncertain significance.